The following is an entry in ClinVar:

NM_000414.4(HSD17B4):c.1333+1G>C

Gene: HSD17B4 (hydroxysteroid 17-beta dehydrogenase 4; plus strand). Cytogenetic location: 5q23.1.
Variant type: single nucleotide variant.
Coding change: c.1333+1G>C on transcript NM_000414.4 (MANE Select); the canonical splice donor site of the intron after coding-DNA position 1333, G replaced by C.
Molecular consequence: splice donor variant. On other transcripts: intron variant (1).
Genome position (GRCh38, 1-based): chr5:119,506,890, G>C. VCF-style: chr5-119506890-G-C. GRCh37 (hg19) VCF-style: chr5-118842585-G-C.
Other names: c.922+1G>C (NM_001374503.1, NM_001374502.1, NM_001374501.1); c.1408+1G>C (NM_001199291.3); c.1006+1G>C (NM_001374499.1); c.892+1G>C (NM_001374500.1); c.913+1G>C (NM_001292028.2); c.1261+1G>C (NM_001292027.2); c.1262-2251G>C (NM_001374498.1); c.1324+1G>C (NM_001374497.1); and 1 more.
Identifiers: ClinVar variation 1064601 (VCV001064601.4), dbSNP rs1369305726, ClinGen allele CA360868649.

ClinVar aggregate classification (germline): Likely pathogenic. Review status: criteria provided, multiple submitters, no conflicts (2 of 4 stars). 2 submissions from 2 submitters: Likely pathogenic (2). Last evaluated 2022-02-02.

Conditions:
Perrault syndrome 1 (PRLTS1). Also called: GONADAL DYSGENESIS, XX TYPE, WITH DEAFNESS; OVARIAN DYSGENESIS WITH SENSORINEURAL DEAFNESS. Identifiers: Orphanet 2855, Orphanet 642945, MedGen C4551721, MONDO:0009300, OMIM 233400.

Allele frequency attached by ClinVar (database versions not stated): gnomAD exomes below 0.00001; TOPMed below 0.00001; gnomAD 0.00001.
gnomAD v4.1: 3 of 1,446,350 alleles (0.00021%); highest among the groups gnomAD compares: Non-Finnish European, 0.00029%; no homozygotes.

Submissions (2):

Victorian Clinical Genetics Services, Murdoch Childrens Research Institute
Classification: Likely pathogenic for Perrault syndrome 1. Last evaluated: 2022-02-02. Review status: criteria provided, single submitter. Criteria: ACMG Guidelines, 2015. Collection method: clinical testing. Allele origin: germline. Inheritance: Autosomal recessive inheritance. Affected: yes.
Comment: Based on the classification scheme VCGS_Germline_v1.1.1, this variant is classified as LIKELY PATHOGENIC. Following criteria are met: 0102 - Loss-of-function is a known mechanism of disease for this gene. (N) 0106 - This gene is known to be associated with autosomal recessive disease. (N) 0210 - Splice site variant (canonical or non-canonical) proven to affect splicing/expression of the transcript with a known effect on protein structure. Further RNA studies detected abnormal splicing, exon 15 skipping (Splicing Diagnostics, Kids Neuroscience Centre). (N) 0213 - In-frame deletion in a non-repetitive region that has high conservation. (P) 0251 - Variant is heterozygous. (N) 0301 - Variant is absent from gnomAD. (P) 0705 - No comparable variants have previous evidence for pathogenicity. (N) 0807 - Variant has not previously been reported in a clinical context. (N) 0905 - No segregation evidence has been identified for this variant. (N) 1007 - No published functional evidence has been identified for this variant. (N) 1208 - Inheritance information for this variant is not currently available. (N) Legend: (P) - Pathogenic, (N) - Neutral, (B) - Benign

Kids Neuroscience Centre, Sydney Children's Hospitals Network
Classification: Likely pathogenic for Perrault syndrome 1. Review status: criteria provided, single submitter. Criteria: Bournazos AM et al. (Genet Med 2021). Collection method: clinical testing. Allele origin: unknown. Inheritance: Autosomal recessive inheritance. Affected: yes. Observed: 1 heterozygote.
Comment: The c.1333+1G>C variant induces exon-15 skipping in HSD17B4 transcripts. This is an in-frame event which removes 24 amino acids (p.Gly421_Asp444del) from the Enoyl-CoA hydratase 2 region of the Hydroxysteroid (17beta) dehydrogenase 4 protein.